The following is an entry in ClinVar:

ClinVar aggregate classification (germline): Benign/Likely benign. Review status: criteria provided, multiple submitters, no conflicts (2 of 4 stars). 4 submissions from 4 submitters: Benign (1); Likely benign (3). Last evaluated 2026-01-10.

Conditions:
Hereditary cancer-predisposing syndrome. Also called: Neoplastic Syndromes, Hereditary; Tumor predisposition; Hereditary Cancer Syndrome; Hereditary neoplastic syndrome. Identifiers: Orphanet 140162, MedGen C0027672, MeSH D009386, MONDO:0015356.
BAP1-related tumor predisposition syndrome (TPDS1). Also called: Tumor susceptibility linked to germline BAP1 mutations; BAP1 tumor predisposition syndrome; COMMON Syndrome; TUMOR PREDISPOSITION SYNDROME 1. Identifiers: Orphanet 289539, MedGen C3280492, MONDO:0013692, OMIM 614327.

gnomAD v4.1: 2 of 1,612,016 alleles (0.00012%); highest among the groups gnomAD compares: Admixed American, 0.0034%; no homozygotes.

Submissions (4):

Labcorp Genetics (formerly Invitae), Labcorp
Classification: Likely benign for BAP1-related tumor predisposition syndrome. Last evaluated: 2026-01-10. Review status: criteria provided, single submitter. Criteria: Invitae Variant Classification Sherloc (09022015). Collection method: clinical testing. Allele origin: germline.

Myriad Genetics, Inc.
Classification: Benign for BAP1-related tumor predisposition syndrome. Last evaluated: 2024-07-11. Review status: criteria provided, single submitter. Criteria: Myriad Autosomal Dominant, Autosomal Recessive and X-Linked Classification Criteria (2023). Collection method: clinical testing. Allele origin: unknown.
Comment: This variant is considered benign. This variant is a silent/synonymous amino acid change and it is not expected to impact splicing.

Color Diagnostics, LLC DBA Color Health
Classification: Likely benign for Hereditary cancer-predisposing syndrome. Last evaluated: 2018-12-14. Review status: criteria provided, single submitter. Criteria: ACMG Guidelines, 2015. Collection method: clinical testing. Allele origin: germline.

Ambry Genetics
Classification: Likely benign for Hereditary cancer-predisposing syndrome. Last evaluated: 2018-09-29. Review status: criteria provided, single submitter. Criteria: Ambry Variant Classification Scheme 2023. Collection method: clinical testing. Allele origin: germline.

NM_004656.4(BAP1):c.186C>G (p.Val62=)

Gene: BAP1 (BRCA1 associated deubiquitinase 1; minus strand). Cytogenetic location: 3p21.1.
Variant type: single nucleotide variant.
Coding change: c.186C>G on transcript NM_004656.4 (MANE Select); coding-DNA position 186, C replaced by G.
Protein change: p.Val62=; no amino-acid change (valine 62 retained).
Molecular consequence: synonymous variant.
Genome position (GRCh38, 1-based): chr3:52,408,543, G>C on the plus strand (C>G on the coding strand, the complement: BAP1 is on the minus strand). VCF-style: chr3-52408543-G-C. GRCh37 (hg19) VCF-style: chr3-52442559-G-C.
Identifiers: ClinVar variation 820195 (VCV000820195.15), dbSNP rs199608453, ClinGen allele CA2437164.
Genomic context (GRCh38, chr3:52,408,543, plus strand): 5'-AAAGAACATGTTATTCACAATATCATCATCAATCACGGACGTATCATCCACCAAGGTAGA[G>C]ACCTTTCGCCGGGACCGGCGCTCTTCGATCCATTTGAACAGGAAGATAAATCCATATACA-3'
Protein context (NP_004647.1, residues 52-72): WIEERRSRRK[Val62=]STLVDDTSVI